The following is an entry in ClinVar:

NM_000038.6(APC):c.7112G>A (p.Arg2371Lys)

Gene: APC (APC regulator of Wnt signaling pathway; plus strand). Cytogenetic location: 5q22.2.
Variant type: single nucleotide variant.
Coding change: c.7112G>A on transcript NM_000038.6 (MANE Select); coding-DNA position 7112, G replaced by A.
Protein change: p.Arg2371Lys; replaces arginine 2371 with lysine.
Molecular consequence: missense variant.
Genome position (GRCh38, 1-based): chr5:112,842,706, G>A. VCF-style: chr5-112842706-G-A. GRCh37 (hg19) VCF-style: chr5-112178403-G-A.
Other names: c.7112G>A, p.Arg2371Lys (NM_001127510.3, NM_001354895.2); c.7058G>A, p.Arg2353Lys (NM_001127511.3); c.7166G>A, p.Arg2389Lys (NM_001354896.2); c.7142G>A, p.Arg2381Lys (NM_001354897.2); c.7037G>A, p.Arg2346Lys (NM_001354898.2); c.7028G>A, p.Arg2343Lys (NM_001354899.2); c.6989G>A, p.Arg2330Lys (NM_001354900.2); c.6935G>A, p.Arg2312Lys (NM_001354901.2); and 5 more; short protein forms R2312K, R2353K, R2371K, R2381K, R2211K, R2245K, R2270K, R2343K.
Identifiers: ClinVar variation 1369754 (VCV001369754.8), dbSNP rs1161972648, ClinGen allele CA16036816.

ClinVar aggregate classification (germline): Uncertain significance (1 of 4 stars; one submission).

Conditions:
Familial adenomatous polyposis 1 (FAP1). Also called: FAMILIAL ADENOMATOUS POLYPOSIS 1, ATTENUATED; POLYPOSIS, ADENOMATOUS INTESTINAL. Identifiers: MedGen C2713442, MONDO:0021056, OMIM 175100. Disease mechanism: loss of function.

Submission:

Labcorp Genetics (formerly Invitae), Labcorp
Classification: Uncertain significance for Familial adenomatous polyposis 1. Last evaluated: 2025-06-26. Review status: criteria provided, single submitter. Criteria: Invitae Variant Classification Sherloc (09022015). Collection method: clinical testing. Allele origin: germline.
Comment: This sequence change replaces arginine, which is basic and polar, with lysine, which is basic and polar, at codon 2371 of the APC protein (p.Arg2371Lys). This variant is not present in population databases (gnomAD no frequency). This variant has not been reported in the literature in individuals affected with APC-related conditions. ClinVar contains an entry for this variant (Variation ID: 1369754). Invitae Evidence Modeling of protein sequence and biophysical properties (such as structural, functional, and spatial information, amino acid conservation, physicochemical variation, residue mobility, and thermodynamic stability) indicates that this missense variant is not expected to disrupt APC protein function with a negative predictive value of 95%. In summary, the available evidence is currently insufficient to determine the role of this variant in disease. Therefore, it has been classified as a Variant of Uncertain Significance.